The following is an entry in ClinVar:

ClinVar aggregate classification (germline): Uncertain significance (1 of 4 stars; one submission).

Conditions:
Spastic paraplegia. Identifiers: MedGen C0037772, HP:0001258.

Submission:

Labcorp Genetics (formerly Invitae), Labcorp
Classification: Uncertain significance for Spastic paraplegia. Last evaluated: 2023-12-23. Review status: criteria provided, single submitter. Criteria: Invitae Variant Classification Sherloc (09022015). Collection method: clinical testing. Allele origin: germline.
Comment: This sequence change replaces glutamine, which is neutral and polar, with arginine, which is basic and polar, at codon 764 of the L1CAM protein (p.Gln764Arg). This variant is not present in population databases (gnomAD no frequency). This variant has not been reported in the literature in individuals affected with L1CAM-related conditions. Advanced modeling of protein sequence and biophysical properties (such as structural, functional, and spatial information, amino acid conservation, physicochemical variation, residue mobility, and thermodynamic stability) performed at Invitae indicates that this missense variant is not expected to disrupt L1CAM protein function with a negative predictive value of 95%. In summary, the available evidence is currently insufficient to determine the role of this variant in disease. Therefore, it has been classified as a Variant of Uncertain Significance.

NM_001278116.2(L1CAM):c.2291A>G (p.Gln764Arg)

Gene: L1CAM (L1 cell adhesion molecule; minus strand). Cytogenetic location: Xq28.
Variant type: single nucleotide variant.
Coding change: c.2291A>G on transcript NM_001278116.2 (MANE Select); coding-DNA position 2291, A replaced by G.
Protein change: p.Gln764Arg; replaces glutamine 764 with arginine.
Molecular consequence: missense variant.
Genome position (GRCh38, 1-based): chrX:153,866,789, T>C on the plus strand (A>G on the coding strand, the complement: L1CAM is on the minus strand). VCF-style: chrX-153866789-T-C. GRCh37 (hg19) VCF-style: chrX-153132244-T-C.
Other names: c.2291A>G, p.Gln764Arg (NM_000425.5, NM_024003.3); c.2276A>G, p.Gln759Arg (NM_001143963.2); short protein forms Q764R, Q759R.
Identifiers: ClinVar variation 2849178 (VCV002849178.3), dbSNP rs2520985311, ClinGen allele CA415120469.